The following is an entry in ClinVar:

ClinVar aggregate classification (germline): Likely benign (1 of 4 stars; one submission).

Conditions:
Lynch syndrome. Identifiers: Orphanet 144, MedGen C4552100, MONDO:0005835. Disease mechanism: loss of function.

Submission:

University of Washington Department of Laboratory Medicine, University of Washington
Classification: Likely benign for Lynch syndrome. Last evaluated: 2018-05-01. Review status: criteria provided, single submitter. Criteria: Shirts BH et al. (Am J Hum Genet 2018). Collection method: clinical testing. Allele origin: somatic. Affected: yes.
Comment: MSH6 NM_000179.2:c.511G>C has a 1.8% probability of pathogenicity based on combining prior probability from public data with a likelihood ratio of 0.16 to 1, generated from evidence of seeing this as a somatic mutation in a tumor with loss of heterozygosity at the MSH6 locus. See Shirts et al 2018, PMID 29887214.

NM_000179.3(MSH6):c.511G>C (p.Glu171Gln)

Gene: MSH6 (mutS homolog 6; plus strand). Cytogenetic location: 2p16.3.
Variant type: single nucleotide variant.
Coding change: c.511G>C on transcript NM_000179.3 (MANE Select); coding-DNA position 511, G replaced by C.
Protein change: p.Glu171Gln; replaces glutamic acid 171 with glutamine.
Molecular consequence: missense variant. On other transcripts: 5 prime UTR variant (1), intron variant (2).
Genome position (GRCh38, 1-based): chr2:47,795,947, G>C. VCF-style: chr2-47795947-G-C. GRCh37 (hg19) VCF-style: chr2-48023086-G-C.
Other names: c.-392G>C (NM_001281494.2); c.-279-2664G>C (NM_001281493.2); c.238-2664G>C (NM_001281492.2); short protein forms E171Q.
Identifiers: ClinVar variation 619575 (VCV000619575.3), dbSNP rs1558656518, ClinGen allele CA346738665.
Genomic context (GRCh38, chr2:47,795,947, plus strand): 5'-TTTCTAGGTTCAAAATCAAAGGAAGCCCAGAAGGGAGGTCATTTTTACAGTGCAAAGCCT[G>C]AAATACTGAGAGCAATGCAACGTGCAGATGAAGCCTTAAATAAAGACAAGATTAAGAGGC-3'
Protein context (NP_000170.1, residues 161-181): KGGHFYSAKP[Glu171Gln]ILRAMQRADE